The following is an entry in ClinVar:

NM_001379500.1(COL18A1):c.1375C>T (p.Pro459Ser)

Gene: COL18A1 (collagen type XVIII alpha 1 chain; plus strand). Cytogenetic location: 21q22.3.
Variant type: single nucleotide variant.
Coding change: c.1375C>T on transcript NM_001379500.1 (MANE Select); coding-DNA position 1375, C replaced by T.
Protein change: p.Pro459Ser; replaces proline 459 with serine.
Molecular consequence: missense variant.
Genome position (GRCh38, 1-based): chr21:45,480,133, C>T. VCF-style: chr21-45480133-C-T. GRCh37 (hg19) VCF-style: chr21-46900047-C-T.
Other names: c.1915C>T, p.Pro639Ser (NM_030582.4); c.2620C>T, p.Pro874Ser (NM_130444.3); short protein forms P639S, P459S, P874S.
Identifiers: ClinVar variation 1469631 (VCV001469631.5), dbSNP rs1353870315, ClinGen allele CA410517052.

ClinVar aggregate classification (germline): Uncertain significance. Review status: criteria provided, multiple submitters, no conflicts (2 of 4 stars). 2 submissions from 2 submitters: Uncertain significance (2). Last evaluated 2026-03-03.

Allele frequency attached by ClinVar (database versions not stated): TOPMed below 0.00001; gnomAD exomes 0.00001.

Submissions (2):

Women's Health and Genetics/Laboratory Corporation of America, LabCorp
Classification: Uncertain significance. Last evaluated: 2026-03-03. Review status: criteria provided, single submitter. Criteria: LabCorp Variant Classification Summary - May 2015. Collection method: clinical testing. Allele origin: germline.
Comment: Variant summary: COL18A1 c.1375C>T (p.Pro459Ser) results in a non-conservative amino acid change in the encoded protein sequence. Algorithms developed to predict the effect of missense changes on protein structure and function are either unavailable or do not agree on the potential impact of this missense change. The variant allele was found at a frequency of 8.3e-06 in 240892 control chromosomes. The available data on variant occurrences in the general population are insufficient to allow any conclusion about variant significance. To our knowledge, no occurrence of c.1375C>T in individuals affected with COL18A1-related conditions and no experimental evidence demonstrating its impact on protein function have been reported. ClinVar contains an entry for this variant (Variation ID: 1469631). Based on the evidence outlined above, the variant was classified as uncertain significance.

Labcorp Genetics (formerly Invitae), Labcorp
Classification: Uncertain significance. Last evaluated: 2022-07-15. Review status: criteria provided, single submitter. Criteria: Invitae Variant Classification Sherloc (09022015). Collection method: clinical testing. Allele origin: germline.
Comment: In summary, the available evidence is currently insufficient to determine the role of this variant in disease. Therefore, it has been classified as a Variant of Uncertain Significance. Experimental studies and prediction algorithms are not available or were not evaluated, and the functional significance of this variant is currently unknown. ClinVar contains an entry for this variant (Variation ID: 1469631). This variant has not been reported in the literature in individuals affected with COL18A1-related conditions. This variant is present in population databases (no rsID available, gnomAD 0.006%). This sequence change replaces proline, which is neutral and non-polar, with serine, which is neutral and polar, at codon 459 of the COL18A1 protein (p.Pro459Ser).